The following is an entry in ClinVar:

NM_001032283.3(TMPO):c.565+1829dup

Gene: TMPO (thymopoietin; plus strand). Cytogenetic location: 12q23.1.
Variant type: Duplication.
Coding change: c.565+1829dup on transcript NM_001032283.3 (MANE Select); 1829 bases into the intron after coding-DNA position 565, one base duplicated (T; older notation c.565+1829dupT).
Molecular consequence: intron variant. On other transcripts: frameshift variant (1).
Genome position (GRCh38, 1-based): chr12:98,533,667, T duplicated. VCF-style (leftmost placement, unchanged base first): chr12-98533666-C-CT. GRCh37 (hg19) VCF-style: chr12-98927444-C-CT.
Other names: c.1410dup, p.Thr471fs (NM_003276.2); c.565+1829dup (NM_001307975.2, NM_001032284.3); short protein forms T471fs.
Identifiers: ClinVar variation 1506760 (VCV001506760.6), dbSNP rs1877366767, ClinGen allele CA912974372.
Genomic context (GRCh38, chr12:98,533,666, plus strand): 5'-ACATACCTGGATCCGAACTGATGTCTTCTTTTGCCAAAACTGTTGTCTCTCATTCACTCA[C>CT]TACCTTAGGTCTAGAAGTGGCTAAGCAATCACAGCATGATAAAATAGATGCCTCAGAACT-3'

ClinVar aggregate classification (germline): Uncertain significance (1 of 4 stars; one submission).

Conditions:
Loeys-Dietz syndrome 2 (LDS2). Also called: Marfan syndrome, type 2 (formerly); TGFBR2-Related Loeys-Dietz Syndrome; Marfan Syndrome type 2; Marfan like connective tissue disorder; MFS 2; AORTIC ANEURYSM, FAMILIAL THORACIC 3. Identifiers: Orphanet 284973, Orphanet 558, MedGen C2674574, MONDO:0012427, OMIM 610168.

Allele frequency attached by ClinVar (database versions not stated): gnomAD exomes 0.00001; TOPMed 0.00001; gnomAD 0.00002.

Submission:

Labcorp Genetics (formerly Invitae), Labcorp
Classification: Uncertain significance for Loeys-Dietz syndrome 2. Last evaluated: 2021-03-25. Review status: criteria provided, single submitter. Criteria: Invitae Variant Classification Sherloc (09022015). Collection method: clinical testing. Allele origin: germline.
Comment: In summary, the available evidence is currently insufficient to determine the role of this variant in disease. Therefore, it has been classified as a Variant of Uncertain Significance. This variant has not been reported in the literature in individuals with TMPO-related conditions. This variant is not present in population databases (ExAC no frequency). This sequence change creates a premature translational stop signal (p.Thr471Tyrfs*8) in the TMPO gene. While this is not anticipated to result in nonsense mediated decay, it is expected to disrupt the last 224 amino acid(s) of the TMPO protein.